The following is an entry in ClinVar:

ClinVar aggregate classification (germline): Pathogenic. Review status: criteria provided, multiple submitters, no conflicts (2 of 4 stars). 4 submissions from 4 submitters: Pathogenic (3). 1 of the submissions does not count toward it. Last evaluated 2024-06-03.

Conditions:
Autosomal recessive limb-girdle muscular dystrophy type 2G (LGMDR7). Also called: MUSCULAR DYSTROPHY, LIMB-GIRDLE, AUTOSOMAL RECESSIVE 7; Telethoninopathy; Limb-girdle muscular dystrophy, type 2G. Identifiers: Orphanet 34514, MedGen C1866008, MONDO:0011170, OMIM 601954.
Hypertrophic cardiomyopathy 25 (CMH25). Also called: CARDIOMYOPATHY, FAMILIAL HYPERTROPHIC, 25. Identifiers: MedGen C4225408, MONDO:0011843, OMIM 607487.
Primary familial hypertrophic cardiomyopathy (HCM). Identifiers: Orphanet 99739, MedGen C0949658, MeSH D024741, MONDO:0024573. Inheritance: Various modes of inheritance.
Cardiovascular phenotype. Identifiers: MedGen CN230736.

Submissions (4):

Labcorp Genetics (formerly Invitae), Labcorp
Classification: Pathogenic for Hypertrophic cardiomyopathy 25; Primary familial hypertrophic cardiomyopathy. Last evaluated: 2024-06-03. Review status: criteria provided, single submitter. Criteria: Invitae Variant Classification Sherloc (09022015). Collection method: clinical testing. Allele origin: germline.
Comment: This sequence change creates a premature translational stop signal (p.Gly37Leufs*5) in the TCAP gene. While this is not anticipated to result in nonsense mediated decay, it is expected to disrupt the last 131 amino acid(s) of the TCAP protein. This variant is not present in population databases (gnomAD no frequency). This premature translational stop signal has been observed in individual(s) with autosomal recessive limb-girdle muscular dystrophy type 2G (PMID: 10655062). It has also been observed to segregate with disease in related individuals. This variant is also known as c.110_110+1del. ClinVar contains an entry for this variant (Variation ID: 5526). This variant disrupts a region of the TCAP protein in which other variant(s) (p.Gln53*) have been determined to be pathogenic (PMID: 10655062, 23479141, 25298746). This suggests that this is a clinically significant region of the protein, and that variants that disrupt it are likely to be disease-causing. For these reasons, this variant has been classified as Pathogenic.

Ambry Genetics
Classification: Pathogenic for Cardiovascular phenotype. Last evaluated: 2022-07-07. Review status: criteria provided, single submitter. Criteria: Ambry Variant Classification Scheme 2023. Collection method: clinical testing. Allele origin: germline.
Comment: The c.110_110+1delGG pathogenic mutation results from a deletion of 2 nucleotides between positions 110 and 110+1 and involves the canonical splice donor site after coding exon 1 of the TCAP gene. This alteration has been reported in a family with limb girdle muscular dystrophy and cardiac involvement, who was compound heterozygous for an additional alteration in TCAP (Moreira ES et al. Nat Genet. 2000 Feb;24(2):163-6). This variant is considered to be rare based on population cohorts in the Genome Aggregation Database (gnomAD). In addition, alterations that disrupt the canonical splice site are expected to cause aberrant splicing, resulting in an abnormal protein or a transcript that is subject to nonsense-mediated mRNA decay. As such, this alteration is interpreted as a disease-causing mutation.

Fulgent Genetics
Classification: Pathogenic for Autosomal recessive limb-girdle muscular dystrophy type 2G; Hypertrophic cardiomyopathy 25. Last evaluated: 2021-11-17. Review status: criteria provided, single submitter. Criteria: ACMG Guidelines, 2015. Collection method: clinical testing. Allele origin: unknown.

OMIM
Classification: Pathogenic for MUSCULAR DYSTROPHY, LIMB-GIRDLE, AUTOSOMAL RECESSIVE 7. Last evaluated: 2000-02-01. Review status: no assertion criteria provided. Collection method: literature only. Allele origin: germline. Not counted in ClinVar's aggregate classification.

Literature cited by the submitters: PubMed 10655062 (cited by 3 submitters); PubMed 23479141 (cited by Labcorp Genetics (formerly Invitae), Labcorp); PubMed 25298746 (cited by Labcorp Genetics (formerly Invitae), Labcorp).

NM_003673.4(TCAP):c.110_110+1del

Gene: TCAP (titin-cap; plus strand). Cytogenetic location: 17q12.
Variant type: Deletion.
Coding change: c.110_110+1del on transcript NM_003673.4 (MANE Select); coding-DNA position 110 through the canonical splice donor site of the intron after coding-DNA position 110, 2 bases deleted (GG; older notation c.110_110+1delGG).
Molecular consequence: splice donor variant.
Genome position (GRCh38, 1-based): chr17:39,665,469-39,665,470, GG deleted; deleting any 2 consecutive bases within chr17:39,665,467-39,665,470 gives the same sequence; the c. name uses the placement nearest the transcript's 3' end. VCF-style (leftmost placement, unchanged base first): chr17-39665466-AGG-A. GRCh37 (hg19) VCF-style: chr17-37821719-AGG-A.
Other names: c.109_110del (NM_003673.3).
Identifiers: ClinVar variation 5526 (VCV000005526.10), dbSNP rs786205076, ClinGen allele CA117570.